The following is an entry in ClinVar:

ClinVar aggregate classification (germline): Conflicting classifications of pathogenicity. Review status: criteria provided, conflicting classifications (1 of 4 stars). 2 submissions from 2 submitters: Uncertain significance (1); Likely benign (1). Last evaluated 2025-10-08.

Conditions:
LAMB2-related infantile-onset nephrotic syndrome. Also called: NEPHROTIC SYNDROME, TYPE 5, WITHOUT OCULAR ABNORMALITIES; NEPHROTIC SYNDROME, TYPE 5, WITH OCULAR ABNORMALITIES; Nephrotic Syndrome, type 5. Identifiers: Orphanet 306507, MedGen C3280113, MONDO:0013621, OMIM 614199.
Pierson syndrome. Also called: MICROCORIA-CONGENITAL NEPHROTIC SYNDROME. Identifiers: Orphanet 2670, MedGen C1836876, MONDO:0012184, OMIM 609049.
Inborn genetic diseases. Identifiers: MedGen C0950123, MeSH D030342.

Allele frequency attached by ClinVar (database versions not stated): gnomAD exomes 0.00001; gnomAD 0.00002; TOPMed 0.00002.
gnomAD v4.1: 15 of 1,613,826 alleles (0.00093%); highest among the groups gnomAD compares: Non-Finnish European, 0.0013%; no homozygotes.

Submissions (2):

Labcorp Genetics (formerly Invitae), Labcorp
Classification: Uncertain significance for LAMB2-related infantile-onset nephrotic syndrome; Pierson syndrome. Last evaluated: 2025-10-08. Review status: criteria provided, single submitter. Criteria: Invitae Variant Classification Sherloc (09022015). Collection method: clinical testing. Allele origin: germline.
Comment: This sequence change replaces glycine, which is neutral and non-polar, with arginine, which is basic and polar, at codon 1391 of the LAMB2 protein (p.Gly1391Arg). This variant is not present in population databases (gnomAD no frequency). This variant has not been reported in the literature in individuals affected with LAMB2-related conditions. ClinVar contains an entry for this variant (Variation ID: 2241627). An algorithm developed to predict the effect of missense changes on protein structure and function outputs the following: PolyPhen-2: "Benign". The arginine amino acid residue is found in multiple mammalian species, which suggests that this missense change does not adversely affect protein function. In summary, the available evidence is currently insufficient to determine the role of this variant in disease. Therefore, it has been classified as a Variant of Uncertain Significance.

Ambry Genetics
Classification: Likely benign for Inborn genetic diseases. Last evaluated: 2021-08-09. Review status: criteria provided, single submitter. Criteria: Ambry Variant Classification Scheme 2023. Collection method: clinical testing. Allele origin: germline.

NM_002292.4(LAMB2):c.4171G>C (p.Gly1391Arg)

Gene: LAMB2 (laminin subunit beta 2; minus strand). Cytogenetic location: 3p21.31.
Variant type: single nucleotide variant.
Coding change: c.4171G>C on transcript NM_002292.4 (MANE Select); coding-DNA position 4171, G replaced by C.
Protein change: p.Gly1391Arg; replaces glycine 1391 with arginine.
Molecular consequence: missense variant.
Genome position (GRCh38, 1-based): chr3:49,123,185, C>G on the plus strand (G>C on the coding strand, the complement: LAMB2 is on the minus strand). VCF-style: chr3-49123185-C-G. GRCh37 (hg19) VCF-style: chr3-49160618-C-G.
Other names: short protein forms G1391R.
Identifiers: ClinVar variation 2241627 (VCV002241627.5), dbSNP rs1268541922, ClinGen allele CA352695688.
Genomic context (GRCh38, chr3:49,123,185, plus strand): 5'-ACCTCACCAGCTCATTTATGTCTGTCAGGCTCAGGGTGTGGGTATGGGCAGAGAGCTTGC[C>G]AAGTGCCCGCTGGTTGGCCATGTGTTTGCTGTTGAAGTCCTCCTTCTGAGCATCCATCAG-3'
Protein context (NP_002283.3, residues 1381-1401): SKHMANQRAL[Gly1391Arg]KLSAHTHTLS